The following is an entry in ClinVar:

ClinVar aggregate classification (germline): Pathogenic (1 of 4 stars; one submission).

Conditions:
Corticosterone methyl oxidase type II deficiency.

Submission:

Natera, Inc.
Classification: Pathogenic for Corticosterone methyl oxidase type II deficiency. Last evaluated: 2026-01-20. Review status: criteria provided, single submitter. Criteria: Natera Variant Classification Schema (03/2026). Collection method: clinical testing. Allele origin: germline.
Comment: The c.1200+1G>T variant in CYP11B2 is a canonical splice donor site variant predicted to affect pre-mRNA splicing, which may result in an abnormal transcript and altered protein product. This variant is expected to result in nonsense mediated decay, truncation, or a dysfunctional protein product. This variant is rare in the general population with a frequency below the threshold expected for the associated phenotype(s). Another variant at this same site results in an alteration predicted to cause a similar molecular effect has been observed in individual(s) with the associated phenotype. Given the available evidence, this variant is classified as Pathogenic.

NM_000498.3(CYP11B2):c.1200+1G>T

Genes: CYP11B2 (cytochrome P450 family 11 subfamily B member 2; minus strand), LOC106799834 (CYP11B2 recombination region; plus strand). Cytogenetic location: 8q24.3.
Variant type: single nucleotide variant.
Coding change: c.1200+1G>T on transcript NM_000498.3 (MANE Select); the canonical splice donor site of the intron after coding-DNA position 1200, G replaced by T.
Molecular consequence: splice donor variant.
Genome position (GRCh38, 1-based): chr8:142,912,806, C>A on the plus strand (G>T on the coding strand, the complement: CYP11B2 is on the minus strand). VCF-style: chr8-142912806-C-A. GRCh37 (hg19) VCF-style: chr8-143994222-C-A.
Identifiers: ClinVar variation 4818597 (VCV004818597.1).